The following is an entry in ClinVar:

ClinVar aggregate classification (germline): Uncertain significance (1 of 4 stars; one submission).

Submission:

GeneDx
Classification: Uncertain significance. Last evaluated: 2025-05-18. Review status: criteria provided, single submitter. Criteria: GeneDx Variant Classification Process June 2021. Collection method: clinical testing. Allele origin: germline. Affected: yes.
Comment: Not observed at significant frequency in large population cohorts (gnomAD); In silico analysis suggests that this missense variant does not alter protein structure/function; Has not been previously published as pathogenic or benign to our knowledge

NM_144973.4(DENND5B):c.2263A>T (p.Met755Leu)

Gene: DENND5B (DENN domain containing 5B; minus strand). Cytogenetic location: 12p11.21.
Variant type: single nucleotide variant.
Coding change: c.2263A>T on transcript NM_144973.4 (MANE Select); coding-DNA position 2263, A replaced by T.
Protein change: p.Met755Leu; replaces methionine 755 with leucine.
Molecular consequence: missense variant.
Genome position (GRCh38, 1-based): chr12:31,424,663, T>A on the plus strand (A>T on the coding strand, the complement: DENND5B is on the minus strand). VCF-style: chr12-31424663-T-A. GRCh37 (hg19) VCF-style: chr12-31577597-T-A.
Other names: c.2368A>T, p.Met790Leu (NM_001308339.2); short protein forms M755L, M790L.
Identifiers: ClinVar variation 4531019 (VCV004531019.1).
Genomic context (GRCh38, chr12:31,424,663, plus strand): 5'-TCTCCTCCAGGCCGGTGATGTTTGCTTCTCCATGGCCAAGTTCCACCGCTTCATGTCCCA[T>A]CTTCTCCACCAACATGCGCTTTGTCTAAGAATATCACGTGTAGTCATAAGGCACCCCAGC-3'
Protein context (NP_659410.3, residues 745-765): MKTKRMLVEK[Met755Leu]GHEAVELGHG